The following is an entry in ClinVar:

NM_000321.3(RB1):c.2117G>A (p.Cys706Tyr)

Gene: RB1 (RB transcriptional corepressor 1; plus strand). Cytogenetic location: 13q14.2.
Variant type: single nucleotide variant.
Coding change: c.2117G>A on transcript NM_000321.3 (MANE Select); coding-DNA position 2117, G replaced by A.
Protein change: p.Cys706Tyr; replaces cysteine 706 with tyrosine.
Molecular consequence: missense variant.
Genome position (GRCh38, 1-based): chr13:48,463,741, G>A. VCF-style: chr13-48463741-G-A. GRCh37 (hg19) VCF-style: chr13-49037877-G-A.
Other names: c.2117G>A, p.Cys706Tyr (NM_001407165.1); short protein forms C706Y.
Identifiers: ClinVar variation 2736033 (VCV002736033.4), dbSNP rs121913295, ClinGen allele CA388167022.

ClinVar aggregate classification (germline): Pathogenic/Likely pathogenic. Review status: criteria provided, multiple submitters, no conflicts (2 of 4 stars). 2 submissions from 2 submitters: Pathogenic (1); Likely pathogenic (1). Last evaluated 2025-12-30.

Conditions:
Retinoblastoma (RB1). Also called: RETINOBLASTOMA, SOMATIC. Identifiers: Orphanet 790, MedGen C0035335, MeSH D012175, MONDO:0008380, OMIM 180200, HP:0009919. Disease mechanism: loss of function. Inheritance: Both sporadic and heritable forms are tested..

Submissions (2):

Labcorp Genetics (formerly Invitae), Labcorp
Classification: Pathogenic for Retinoblastoma. Last evaluated: 2025-12-30. Review status: criteria provided, single submitter. Criteria: Invitae Variant Classification Sherloc (09022015). Collection method: clinical testing. Allele origin: germline.
Comment: This sequence change replaces cysteine, which is neutral and slightly polar, with tyrosine, which is neutral and polar, at codon 706 of the RB1 protein (p.Cys706Tyr). This variant is not present in population databases (gnomAD no frequency). This missense change has been observed in individual(s) with bilateral retinoblastoma and/or unilateral retinoblastoma (PMID: 8118465, 26084579, 30636860; internal data). ClinVar contains an entry for this variant (Variation ID: 2736033). Invitae Evidence Modeling of protein sequence and biophysical properties (such as structural, functional, and spatial information, amino acid conservation, physicochemical variation, residue mobility, and thermodynamic stability) indicates that this missense variant is expected to disrupt RB1 protein function with a positive predictive value of 80%. For these reasons, this variant has been classified as Pathogenic.

Genetic Diagnostic Laboratory, University of Pennsylvania School of Medicine
Classification: Likely pathogenic for Retinoblastoma. Last evaluated: 2024-05-20. Review status: criteria provided, single submitter. Criteria: ACMG Guidelines, 2015. Collection method: clinical testing. Allele origin: germline. Affected: yes. Observed: 3 variant alleles.
Comment: Case and Pedigree Information: BILATERAL CASES:2, UNILATERAL CASES:1, TOTAL CASES:3, PEDIGREES:3. ACMG Codes Applied:PM1, PM2, PM5, PS4SUP, PP3

Literature cited by the submitters: PubMed 8118465 (cited by Labcorp Genetics (formerly Invitae), Labcorp); PubMed 26084579 (cited by Labcorp Genetics (formerly Invitae), Labcorp); PubMed 30636860 (cited by Labcorp Genetics (formerly Invitae), Labcorp).